The following is an entry in ClinVar:

ClinVar aggregate classification (germline): Uncertain significance (1 of 4 stars; one submission).

Conditions:
GTP cyclohydrolase I deficiency. Identifiers: MedGen C0268467, MONDO:0100184.
Dystonia 5 (DRD). Also called: DYSTONIA, PROGRESSIVE, WITH DIURNAL VARIATION; DYSTONIA-PARKINSONISM WITH DIURNAL FLUCTUATION; GTP Cyclohydrolase 1-Deficient Dopa-Responsive Dystonia; Dystonia, DOPA-responsive, with or without hyperphenylalaninemia; DYT-GCH1. Identifiers: Orphanet 98808, MedGen C1851920, MONDO:0007495, OMIM 128230.

Submission:

Labcorp Genetics (formerly Invitae), Labcorp
Classification: Uncertain significance for GTP cyclohydrolase I deficiency; Dystonia 5. Last evaluated: 2022-10-30. Review status: criteria provided, single submitter. Criteria: Invitae Variant Classification Sherloc (09022015). Collection method: clinical testing. Allele origin: germline.
Comment: In summary, the available evidence is currently insufficient to determine the role of this variant in disease. Therefore, it has been classified as a Variant of Uncertain Significance. Advanced modeling of protein sequence and biophysical properties (such as structural, functional, and spatial information, amino acid conservation, physicochemical variation, residue mobility, and thermodynamic stability) performed at Invitae indicates that this missense variant is not expected to disrupt GCH1 protein function. This variant has not been reported in the literature in individuals affected with GCH1-related conditions. This variant is not present in population databases (gnomAD no frequency). This sequence change replaces glycine, which is neutral and non-polar, with arginine, which is basic and polar, at codon 31 of the GCH1 protein (p.Gly31Arg).

NM_000161.3(GCH1):c.91G>C (p.Gly31Arg)

Genes: GCH1 (GTP cyclohydrolase 1; minus strand), LOC130055692 (ATAC-STARR-seq lymphoblastoid silent region 5776; plus strand). Cytogenetic location: 14q22.2.
Variant type: single nucleotide variant.
Coding change: c.91G>C on transcript NM_000161.3 (MANE Select); coding-DNA position 91, G replaced by C.
Protein change: p.Gly31Arg; replaces glycine 31 with arginine.
Molecular consequence: missense variant.
Genome position (GRCh38, 1-based): chr14:54,902,573, C>G on the plus strand (G>C on the coding strand, the complement: GCH1 is on the minus strand). VCF-style: chr14-54902573-C-G. GRCh37 (hg19) VCF-style: chr14-55369291-C-G.
Other names: c.91G>C, p.Gly31Arg (NM_001024070.2, NM_001024071.2, NM_001424104.1 and 1 more transcripts); short protein forms G31R.
Identifiers: ClinVar variation 2941134 (VCV002941134.3), dbSNP rs2040585757, ClinGen allele CA389794433.